The following is an entry in ClinVar:

ClinVar aggregate classification (germline): Conflicting classifications of pathogenicity. Review status: criteria provided, conflicting classifications (1 of 4 stars). 2 submissions from 2 submitters: Uncertain significance (1); Likely benign (1). Last evaluated 2024-12-08.

Conditions:
Autosomal recessive limb-girdle muscular dystrophy type 2J (LGMDR10). Also called: Limb-girdle muscular dystrophy, type 2J; MUSCULAR DYSTROPHY, LIMB-GIRDLE, AUTOSOMAL RECESSIVE 10. Identifiers: Orphanet 140922, MedGen C1837342, MONDO:0012127, OMIM 608807.
Dilated cardiomyopathy 1G (CMD1G). Identifiers: Orphanet 154, MedGen C1858763, MONDO:0011400, OMIM 604145.

gnomAD v4.1: 4 of 1,613,396 alleles (0.00025%); highest among the groups gnomAD compares: African/African-American, 0.0013%; no homozygotes.

Submissions (2):

Labcorp Genetics (formerly Invitae), Labcorp
Classification: Likely benign for Dilated cardiomyopathy 1G; Autosomal recessive limb-girdle muscular dystrophy type 2J. Last evaluated: 2024-12-08. Review status: criteria provided, single submitter. Criteria: Invitae Variant Classification Sherloc (09022015). Collection method: clinical testing. Allele origin: germline.

CeGaT Center for Human Genetics Tuebingen
Classification: Uncertain significance. Last evaluated: 2024-07-01. Review status: criteria provided, single submitter. Criteria: CeGaT Center For Human Genetics Tuebingen Variant Classification Criteria Version 2. Collection method: clinical testing. Allele origin: germline. Affected: yes. Observed: 1 variant allele.
Comment: TTN: PM2:Supporting, BP4

NM_001267550.2(TTN):c.62317C>T (p.Leu20773=)

Genes: TTN (titin; minus strand), TTN-AS1 (TTN antisense RNA 1; plus strand). Cytogenetic location: 2q31.2.
Variant type: single nucleotide variant.
Coding change: c.62317C>T on transcript NM_001267550.2 (MANE Select); coding-DNA position 62317, C replaced by T.
Protein change: p.Leu20773=; no amino-acid change (leucine 20773 retained).
Molecular consequence: synonymous variant.
Genome position (GRCh38, 1-based): chr2:178,589,408, G>A on the plus strand (C>T on the coding strand, the complement: TTN is on the minus strand). VCF-style: chr2-178589408-G-A. GRCh37 (hg19) VCF-style: chr2-179454135-G-A.
Other names: c.57394C>T, p.Leu19132= (NM_001256850.1); c.35122C>T, p.Leu11708= (NM_003319.4); c.54613C>T, p.Leu18205= (NM_133378.4); c.35497C>T, p.Leu11833= (NM_133432.3); c.35698C>T, p.Leu11900= (NM_133437.4).
Identifiers: ClinVar variation 1612707 (VCV001612707.25), dbSNP rs375173874, ClinGen allele CA430265484.
Genomic context (GRCh38, chr2:178,589,408, plus strand): 5'-CCCCTGCCTCAAGCCTAATGGTGTCCCCTGCTTTGACAGTTAGGACCCCACTTAATTTCA[G>A]ATCAAGTACTGGTTTTTGTAAGTCTTCTTTCACAACAACTTCCTCTGTCTTCACCCAGTC-3'
Protein context (NP_001254479.2, residues 20763-20783): KEDLQKPVLD[Leu20773=]KLSGVLTVKA